The following is an entry in ClinVar:

ClinVar aggregate classification (germline): Uncertain significance (1 of 4 stars; one submission).

Conditions:
Arginine:glycine amidinotransferase deficiency (CCDS3). Also called: AGAT deficiency; Cerebral creatine deficiency syndrome 3; L-Arginine:Glycine Amidinotransferase Deficiency; Creatine deficiency syndrome due to AGAT deficiency; GATM deficiency; L-Arginine:Glycine Amidinotransferase (AGAT) Deficiency. Identifiers: Orphanet 35704, MedGen C2675179, MONDO:0012996, OMIM 612718.

Submission:

Labcorp Genetics (formerly Invitae), Labcorp
Classification: Uncertain significance for Arginine:glycine amidinotransferase deficiency. Last evaluated: 2024-12-09. Review status: criteria provided, single submitter. Criteria: Invitae Variant Classification Sherloc (09022015). Collection method: clinical testing. Allele origin: germline.
Comment: This sequence change replaces histidine, which is basic and polar, with aspartic acid, which is acidic and polar, at codon 113 of the GATM protein (p.His113Asp). This variant is not present in population databases (gnomAD no frequency). This variant has not been reported in the literature in individuals affected with GATM-related conditions. ClinVar contains an entry for this variant (Variation ID: 1014906). Invitae Evidence Modeling of protein sequence and biophysical properties (such as structural, functional, and spatial information, amino acid conservation, physicochemical variation, residue mobility, and thermodynamic stability) indicates that this missense variant is not expected to disrupt GATM protein function with a negative predictive value of 95%. In summary, the available evidence is currently insufficient to determine the role of this variant in disease. Therefore, it has been classified as a Variant of Uncertain Significance.

NM_001482.3(GATM):c.337C>G (p.His113Asp)

Gene: GATM (glycine amidinotransferase; minus strand). Cytogenetic location: 15q21.1.
Variant type: single nucleotide variant.
Coding change: c.337C>G on transcript NM_001482.3 (MANE Select); coding-DNA position 337, C replaced by G.
Protein change: p.His113Asp; replaces histidine 113 with aspartic acid.
Molecular consequence: missense variant. On other transcripts: 5 prime UTR variant (1).
Genome position (GRCh38, 1-based): chr15:45,369,473, G>C on the plus strand (C>G on the coding strand, the complement: GATM is on the minus strand). VCF-style: chr15-45369473-G-C. GRCh37 (hg19) VCF-style: chr15-45661671-G-C.
Other names: c.-51C>G (NM_001321015.2); short protein forms H113D.
Identifiers: ClinVar variation 1014906 (VCV001014906.8), dbSNP rs1889504232, ClinGen allele CA392262074.
Genomic context (GRCh38, chr15:45,369,473, plus strand): 5'-TATTGCACATTTCTTCAATTTCAGCAACAGCCTTTTTCAAATGATCTTTGGGAAAATAAT[G>C]CCCTCCTTGCTTCTGGTAAAATGGCCAGTACTTTTCATATGTGTTGGCCTGGAAGTAGAA-3'
Protein context (NP_001473.1, residues 103-123): YWPFYQKQGG[His113Asp]YFPKDHLKKA